The following is an entry in ClinVar:

ClinVar aggregate classification (germline): Uncertain significance (1 of 4 stars; one submission).

Allele frequency attached by ClinVar (database versions not stated): gnomAD 0.00001; gnomAD exomes 0.00001; TOPMed 0.00002; ESP Exome Variant Server 0.00008.
gnomAD v4.1: 6 of 1,614,040 alleles (0.00037%); highest among the groups gnomAD compares: African/African-American, 0.004%; no homozygotes.

Submission:

Labcorp Genetics (formerly Invitae), Labcorp
Classification: Uncertain significance. Last evaluated: 2022-07-19. Review status: criteria provided, single submitter. Criteria: Invitae Variant Classification Sherloc (09022015). Collection method: clinical testing. Allele origin: germline.
Comment: In summary, the available evidence is currently insufficient to determine the role of this variant in disease. Therefore, it has been classified as a Variant of Uncertain Significance. Algorithms developed to predict the effect of missense changes on protein structure and function output the following: SIFT: "Tolerated"; PolyPhen-2: "Benign"; Align-GVGD: "Class C0". The histidine amino acid residue is found in multiple mammalian species, which suggests that this missense change does not adversely affect protein function. This variant has not been reported in the literature in individuals affected with GHR-related conditions. This variant is present in population databases (rs372110592, gnomAD 0.003%). This sequence change replaces glutamine, which is neutral and polar, with histidine, which is basic and polar, at codon 469 of the GHR protein (p.Gln469His).

NM_000163.5(GHR):c.1407A>C (p.Gln469His)

Gene: GHR (growth hormone receptor; plus strand). Cytogenetic location: 5p12.
Variant type: single nucleotide variant.
Coding change: c.1407A>C on transcript NM_000163.5 (MANE Select); coding-DNA position 1407, A replaced by C.
Protein change: p.Gln469His; replaces glutamine 469 with histidine.
Molecular consequence: missense variant. On other transcripts: 3 prime UTR variant (1).
Genome position (GRCh38, 1-based): chr5:42,718,914, A>C. VCF-style: chr5-42718914-A-C. GRCh37 (hg19) VCF-style: chr5-42719016-A-C.
Other names: c.1428A>C, p.Gln476His (NM_001242399.2); c.1407A>C, p.Gln469His (NM_001242400.2, NM_001242401.4, NM_001242402.2 and 4 more transcripts); c.1341A>C, p.Gln447His (NM_001242460.2); c.*449A>C (NM_001242462.1); short protein forms Q447H, Q476H, Q469H.
Identifiers: ClinVar variation 1985660 (VCV001985660.4), dbSNP rs372110592, ClinGen allele CA117805050.